The following is an entry in ClinVar:

NM_000548.5(TSC2):c.5321del (p.Ser1774fs)

Gene: TSC2 (TSC complex subunit 2; plus strand). Cytogenetic location: 16p13.3.
Variant type: Deletion.
Coding change: c.5321del on transcript NM_000548.5 (MANE Select); coding-DNA position 5321, one base deleted (G; older notation c.5321delG).
Protein change: p.Ser1774fs; shifts the reading frame from serine 1774.
Molecular consequence: frameshift variant. On other transcripts: non-coding transcript variant (5).
Genome position (GRCh38, 1-based): chr16:2,088,507, G deleted. VCF-style (leftmost placement, unchanged base first): chr16-2088506-AG-A. GRCh37 (hg19) VCF-style: chr16-2138507-AG-A.
Other names: c.5120del, p.Ser1707fs (NM_001077183.3); c.5252del, p.Ser1751fs (NM_001114382.3); c.5012del, p.Ser1671fs (NM_001318827.2); c.4976del, p.Ser1659fs (NM_001318829.2); c.4589del, p.Ser1530fs (NM_001318831.2); c.5153del, p.Ser1718fs (NM_001318832.2); c.5123del, p.Ser1708fs (NM_001363528.2); c.5189del, p.Ser1730fs (NM_001370404.1); and 27 more; short protein forms S1260fs, S1283fs, S1659fs, S1671fs, S1688fs, S1701fs, S1727fs, S1737fs.
Identifiers: ClinVar variation 4727512 (VCV004727512.1).

ClinVar aggregate classification (germline): Uncertain significance (1 of 4 stars; one submission).

Conditions:
Tuberous sclerosis 2 (TSC2). Identifiers: Orphanet 805, MedGen C1860707, MONDO:0013199, OMIM 613254.

Submission:

Labcorp Genetics (formerly Invitae), Labcorp
Classification: Uncertain significance for Tuberous sclerosis 2. Last evaluated: 2025-09-25. Review status: criteria provided, single submitter. Criteria: Invitae Variant Classification Sherloc (09022015). Collection method: clinical testing. Allele origin: germline.
Comment: This sequence change is expected to alter the c-terminus of the TSC2 protein (p.Ser1774Thrfs*52). While this is not anticipated to result in nonsense mediated decay, it is expected to disrupt the last 34 amino acid(s) of the TSC2 protein and extend the protein by 17 additional amino acid residues. This variant is not present in population databases (gnomAD no frequency). This variant has not been reported in the literature in individuals affected with TSC2-related conditions. Experimental studies and prediction algorithms are not available or were not evaluated, and the functional significance of this variant is currently unknown. In summary, the available evidence is currently insufficient to determine the role of this variant in disease. Therefore, it has been classified as a Variant of Uncertain Significance.